The following is an entry in ClinVar:

ClinVar aggregate classification (germline): Uncertain significance (1 of 4 stars; one submission).

Submission:

Labcorp Genetics (formerly Invitae), Labcorp
Classification: Uncertain significance. Last evaluated: 2022-03-16. Review status: criteria provided, single submitter. Criteria: Invitae Variant Classification Sherloc (09022015). Collection method: clinical testing. Allele origin: germline.
Comment: This variant is not present in population databases (gnomAD no frequency). This sequence change replaces threonine, which is neutral and polar, with lysine, which is basic and polar, at codon 451 of the SAMD11 protein (p.Thr451Lys). This variant has not been reported in the literature in individuals affected with SAMD11-related conditions. Algorithms developed to predict the effect of missense changes on protein structure and function (SIFT, PolyPhen-2, Align-GVGD) all suggest that this variant is likely to be tolerated. In summary, the available evidence is currently insufficient to determine the role of this variant in disease. Therefore, it has been classified as a Variant of Uncertain Significance.

NM_001385641.1(SAMD11):c.1841C>A (p.Thr614Lys)

Gene: SAMD11 (sterile alpha motif domain containing 11; plus strand). Cytogenetic location: 1p36.33.
Variant type: single nucleotide variant.
Coding change: c.1841C>A on transcript NM_001385641.1 (MANE Select); coding-DNA position 1841, C replaced by A.
Protein change: p.Thr614Lys; replaces threonine 614 with lysine.
Molecular consequence: missense variant.
Genome position (GRCh38, 1-based): chr1:942,846, C>A. VCF-style: chr1-942846-C-A. GRCh37 (hg19) VCF-style: chr1-878226-C-A.
Other names: c.1844C>A, p.Thr615Lys (NM_001385640.1); c.1352C>A, p.Thr451Lys (NM_152486.4); short protein forms T615K, T451K, T614K.
Identifiers: ClinVar variation 1978445 (VCV001978445.4), dbSNP rs778084644, ClinGen allele CA337811522.